The following is an entry in ClinVar:

NM_019844.4(SLCO1B3):c.209A>G (p.Asp70Gly)

Genes: SLCO1B3 (solute carrier organic anion transporter family member 1B3; plus strand), SLCO1B3-SLCO1B7 (SLCO1B3-SLCO1B7 readthrough; plus strand). Cytogenetic location: 12p12.2.
Variant type: single nucleotide variant.
Coding change: c.209A>G on transcript NM_019844.4 (MANE Select); coding-DNA position 209, A replaced by G.
Protein change: p.Asp70Gly; replaces aspartic acid 70 with glycine.
Molecular consequence: missense variant.
Genome position (GRCh38, 1-based): chr12:20,855,152, A>G. VCF-style: chr12-20855152-A-G. GRCh37 (hg19) VCF-style: chr12-21008086-A-G.
Other names: c.209A>G, p.Asp70Gly (NM_001371097.1); c.125A>G, p.Asp42Gly (NM_001349920.2); short protein forms D70G, D42G.
Identifiers: ClinVar variation 4984430 (VCV004984430.1).

ClinVar aggregate classification (germline): Uncertain significance (1 of 4 stars; one submission).

Conditions:
SLCO1B3-related disorder. Also called: SLCO1B3-related condition.

Submission:

PreventionGenetics, part of Exact Sciences
Classification: Uncertain significance for SLCO1B3-related condition. Last evaluated: 2026-03-03. Review status: criteria provided, single submitter. Criteria: ACMG Guidelines, 2015. Collection method: clinical testing. Allele origin: germline.
Comment: The SLCO1B3 c.209A>G variant is predicted to result in the amino acid substitution p.Asp70Gly. To our knowledge, this variant has not been reported in the literature. This variant is reported in 0.021% of alleles in individuals of Ashkenazi Jewish descent in gnomAD. At this time, the clinical significance of this variant is uncertain due to the absence of conclusive functional and genetic evidence.